The following is an entry in ClinVar:

NM_201384.3(PLEC):c.4273C>T (p.Leu1425=)

Gene: PLEC (plectin; minus strand). Cytogenetic location: 8q24.3.
Variant type: single nucleotide variant.
Coding change: c.4273C>T on transcript NM_201384.3 (MANE Select); coding-DNA position 4273, C replaced by T.
Protein change: p.Leu1425=; no amino-acid change (leucine 1425 retained).
Molecular consequence: synonymous variant. On other transcripts: intron variant (1).
Genome position (GRCh38, 1-based): chr8:143,925,656, G>A on the plus strand (C>T on the coding strand, the complement: PLEC is on the minus strand). VCF-style: chr8-143925656-G-A. GRCh37 (hg19) VCF-style: chr8-144999824-G-A.
Other names: c.4354C>T, p.Leu1452= (NM_000445.5); c.4231C>T, p.Leu1411= (NM_201378.4); c.4207C>T, p.Leu1403= (NM_201379.3); c.4684C>T, p.Leu1562= (NM_201380.4); c.4177C>T, p.Leu1393= (NM_201381.3); c.4273C>T, p.Leu1425= (NM_201382.4); c.4285C>T, p.Leu1429= (NM_201383.3); c.4125+1128C>T (NM_001410941.1).
Identifiers: ClinVar variation 4985264 (VCV004985264.1).
Genomic context (GRCh38, chr8:143,925,656, plus strand): 5'-GCTCAGCCGCCTCTGCCTGCCGGGCCTTGGCCTGGATCTCCGCCTCCGAGCTCTGCCGCA[G>A]CTGCTGCAGCTCCTCCTGAATGCTGCGCTTCTGCTGCTGCGCGTCCACCGCCGCCTCCTC-3'
Protein context (NP_958786.1, residues 1415-1435): KRSIQEELQQ[Leu1425=]RQSSEAEIQA

ClinVar aggregate classification (germline): Likely benign (1 of 4 stars; one submission).

Conditions:
PLEC-related disorder. Also called: PLEC-related condition; PLEC-related disorders.

gnomAD v4.1: 2 of 1,586,842 alleles (0.00013%); highest among the groups gnomAD compares: South Asian, 0.0022%; no homozygotes.

Submission:

PreventionGenetics, part of Exact Sciences
Classification: Likely benign for PLEC-related condition. Last evaluated: 2026-01-05. Review status: criteria provided, single submitter. Criteria: ACMG Guidelines, 2015. Collection method: clinical testing. Allele origin: germline.
Comment: This variant is classified as likely benign based on ACMG/AMP sequence variant interpretation guidelines (Richards et al. 2015 PMID: 25741868, with internal and published modifications).